The following is an entry in ClinVar:

ClinVar aggregate classification (germline): Uncertain significance. Review status: criteria provided, multiple submitters, no conflicts (2 of 4 stars). 3 submissions from 3 submitters: Uncertain significance (3). Last evaluated 2025-12-19.

Conditions:
Inborn genetic diseases. Identifiers: MedGen C0950123, MeSH D030342.

Allele frequency attached by ClinVar (database versions not stated): ExAC 0.00001; gnomAD exomes 0.00001; TOPMed 0.00001.
gnomAD v4.1: 14 of 1,614,188 alleles (0.00087%); highest among the groups gnomAD compares: Middle Eastern, 0.049%; no homozygotes.

Submissions (3):

Labcorp Genetics (formerly Invitae), Labcorp
Classification: Uncertain significance. Last evaluated: 2025-12-19. Review status: criteria provided, single submitter. Criteria: Invitae Variant Classification Sherloc (09022015). Collection method: clinical testing. Allele origin: germline.
Comment: This sequence change replaces arginine, which is basic and polar, with methionine, which is neutral and non-polar, at codon 444 of the DFNA5 protein (p.Arg444Met). This variant is present in population databases (rs780683974, gnomAD 0.006%). This variant has not been reported in the literature in individuals affected with DFNA5-related conditions. ClinVar contains an entry for this variant (Variation ID: 505547). Invitae Evidence Modeling of protein sequence and biophysical properties (such as structural, functional, and spatial information, amino acid conservation, physicochemical variation, residue mobility, and thermodynamic stability) indicates that this missense variant is not expected to disrupt DFNA5 protein function with a negative predictive value of 80%. In summary, the available evidence is currently insufficient to determine the role of this variant in disease. Therefore, it has been classified as a Variant of Uncertain Significance.

Ambry Genetics
Classification: Uncertain significance for Inborn genetic diseases. Last evaluated: 2025-05-23. Review status: criteria provided, single submitter. Criteria: Ambry Variant Classification Scheme 2023. Collection method: clinical testing. Allele origin: germline.

Laboratory for Molecular Medicine, Mass General Brigham Personalized Medicine
Classification: Uncertain significance. Last evaluated: 2017-03-02. Review status: criteria provided, single submitter. Criteria: LMM Criteria. Collection method: clinical testing. Allele origin: germline. Observed: 1 variant allele.
Comment: The p.Arg444Met variant in DFNA5 has not been previously reported in individuals with hearing loss, but has been identified in 1/16486 of South Asian chromosome s by the Exome Aggregation Consortium (ExAC; dbS NP rs780683974). Although this variant has been seen in the general population, its frequency is not high enough to rule out a pathogenic role. Splice predictio n tools suggest that this variant may result in the creation of a cryptic splice site, though this information is not predictive enough to determine pathogenici ty. Additional computational prediction tools and conservation analysis do not p rovide strong support for or against an impact to the protein. Pathogenic varian ts in DFNA5 reported to date result in skipping of exon 8; however, this variant is located in exon 10. In summary, the clinical significance of the p.Arg444Met variant is uncertain.

NM_001127453.2(GSDME):c.1331G>T (p.Arg444Met)

Gene: GSDME (gasdermin E; minus strand). Cytogenetic location: 7p15.3.
Variant type: single nucleotide variant.
Coding change: c.1331G>T on transcript NM_001127453.2 (MANE Select); coding-DNA position 1331, G replaced by T.
Protein change: p.Arg444Met; replaces arginine 444 with methionine.
Molecular consequence: missense variant.
Genome position (GRCh38, 1-based): chr7:24,699,186, C>A on the plus strand (G>T on the coding strand, the complement: GSDME is on the minus strand). VCF-style: chr7-24699186-C-A. GRCh37 (hg19) VCF-style: chr7-24738805-C-A.
Other names: c.839G>T, p.Arg280Met (NM_001127454.2); c.1331G>T, p.Arg444Met (NM_004403.3); short protein forms R444M, R280M.
Identifiers: ClinVar variation 505547 (VCV000505547.7), dbSNP rs780683974, ClinGen allele CA4191293.